The following is an entry in ClinVar:

NM_020297.4(ABCC9):c.2456G>T (p.Arg819Ile)

Gene: ABCC9 (ATP binding cassette subfamily C member 9; minus strand). Cytogenetic location: 12p12.1.
Variant type: single nucleotide variant.
Coding change: c.2456G>T on transcript NM_020297.4 (MANE Select); coding-DNA position 2456, G replaced by T.
Protein change: p.Arg819Ile; replaces arginine 819 with isoleucine.
Molecular consequence: missense variant.
Genome position (GRCh38, 1-based): chr12:21,859,635, C>A on the plus strand (G>T on the coding strand, the complement: ABCC9 is on the minus strand). VCF-style: chr12-21859635-C-A. GRCh37 (hg19) VCF-style: chr12-22012569-C-A.
Other names: c.2456G>T, p.Arg819Ile (NM_001377273.1, NM_005691.4); c.1589G>T, p.Arg530Ile (NM_001377274.1); short protein forms R530I, R819I.
Identifiers: ClinVar variation 2792471 (VCV002792471.4), dbSNP rs2541196093, ClinGen allele CA384126968.

ClinVar aggregate classification (germline): Uncertain significance. Review status: criteria provided, multiple submitters, no conflicts (2 of 4 stars). 2 submissions from 2 submitters: Uncertain significance (2). Last evaluated 2023-11-22.

Conditions:
Dilated cardiomyopathy 1O (CMD1O). Also called: CARDIOMYOPATHY, DILATED, WITH VENTRICULAR TACHYCARDIA. Identifiers: Orphanet 154, MedGen C1837839, MONDO:0012062, OMIM 608569.

Submissions (2):

Labcorp Genetics (formerly Invitae), Labcorp
Classification: Uncertain significance for Dilated cardiomyopathy 1O. Last evaluated: 2023-11-22. Review status: criteria provided, single submitter. Criteria: Invitae Variant Classification Sherloc (09022015). Collection method: clinical testing. Allele origin: germline.
Comment: This sequence change replaces arginine, which is basic and polar, with isoleucine, which is neutral and non-polar, at codon 819 of the ABCC9 protein (p.Arg819Ile). This variant is not present in population databases (gnomAD no frequency). This variant has not been reported in the literature in individuals affected with ABCC9-related conditions. Advanced modeling of protein sequence and biophysical properties (such as structural, functional, and spatial information, amino acid conservation, physicochemical variation, residue mobility, and thermodynamic stability) performed at Invitae indicates that this missense variant is expected to disrupt ABCC9 protein function with a positive predictive value of 80%. In summary, the available evidence is currently insufficient to determine the role of this variant in disease. Therefore, it has been classified as a Variant of Uncertain Significance.

GeneDx
Classification: Uncertain significance. Last evaluated: 2023-05-02. Review status: criteria provided, single submitter. Criteria: GeneDx Variant Classification Process June 2021. Collection method: clinical testing. Allele origin: germline. Affected: yes.
Comment: Has not been previously published as pathogenic or benign to our knowledge; Not observed at significant frequency in large population cohorts (gnomAD); In silico analysis supports that this missense variant has a deleterious effect on protein structure/function